The following is an entry in ClinVar:

ClinVar aggregate classification (germline): Uncertain significance (1 of 4 stars; one submission).

gnomAD v4.1: 1 of 1,598,966 alleles (0.000063%); highest among the groups gnomAD compares: South Asian, 0.0011%; no homozygotes.

Submission:

Labcorp Genetics (formerly Invitae), Labcorp
Classification: Uncertain significance. Last evaluated: 2025-12-01. Review status: criteria provided, single submitter. Criteria: Invitae Variant Classification Sherloc (09022015). Collection method: clinical testing. Allele origin: germline.
Comment: This sequence change replaces glutamic acid, which is acidic and polar, with glutamine, which is neutral and polar, at codon 189 of the WNT1 protein (p.Glu189Gln). This variant is not present in population databases (gnomAD no frequency). This variant has not been reported in the literature in individuals affected with WNT1-related conditions. Invitae Evidence Modeling of protein sequence and biophysical properties (such as structural, functional, and spatial information, amino acid conservation, physicochemical variation, residue mobility, and thermodynamic stability) indicates that this missense variant is expected to disrupt WNT1 protein function with a positive predictive value of 80%. In summary, the available evidence is currently insufficient to determine the role of this variant in disease. Therefore, it has been classified as a Variant of Uncertain Significance.

NM_005430.4(WNT1):c.565G>C (p.Glu189Gln)

Gene: WNT1 (Wnt family member 1; plus strand). Cytogenetic location: 12q13.12.
Variant type: single nucleotide variant.
Coding change: c.565G>C on transcript NM_005430.4 (MANE Select); coding-DNA position 565, G replaced by C.
Protein change: p.Glu189Gln; replaces glutamic acid 189 with glutamine.
Molecular consequence: missense variant.
Genome position (GRCh38, 1-based): chr12:48,980,630, G>C. VCF-style: chr12-48980630-G-C. GRCh37 (hg19) VCF-style: chr12-49374413-G-C.
Other names: short protein forms E189Q.
Identifiers: ClinVar variation 4781011 (VCV004781011.1).